The following is an entry in ClinVar:

ClinVar aggregate classification (germline): Benign/Likely benign. Review status: criteria provided, multiple submitters, no conflicts (2 of 4 stars). 3 submissions from 3 submitters: Benign (2); Likely benign (1). Last evaluated 2026-02-04.

Conditions:
GRHPR-related disorder. Also called: GRHPR-related condition.

Submissions (3):

Labcorp Genetics (formerly Invitae), Labcorp
Classification: Benign. Last evaluated: 2026-02-04. Review status: criteria provided, single submitter. Criteria: Invitae Variant Classification Sherloc (09022015). Collection method: clinical testing. Allele origin: germline.

PreventionGenetics, part of Exact Sciences
Classification: Benign for GRHPR-related condition. Last evaluated: 2025-07-08. Review status: criteria provided, single submitter. Criteria: ACMG Guidelines, 2015. Collection method: clinical testing. Allele origin: germline.
Comment: This variant is classified as benign based on ACMG/AMP sequence variant interpretation guidelines (Richards et al. 2015 PMID: 25741868, with internal and published modifications).

Blueprint Genetics
Classification: Likely benign. Last evaluated: 2024-11-05. Review status: criteria provided, single submitter. Criteria: ACMG Guidelines, 2015. Collection method: clinical testing. Allele origin: germline.

NM_012203.2(GRHPR):c.866-25CT[5]

Gene: GRHPR (glyoxylate and hydroxypyruvate reductase; plus strand). Cytogenetic location: 9p13.2.
Variant type: Microsatellite.
Coding change: c.866-25CT[5] on transcript NM_012203.2 (MANE Select); five copies in a row of the 2-base unit CT starting at c.866-25.
Molecular consequence: intron variant.
Genome position: GRCh38 VCF-style: chr9-37436635-CCTCTCT-C. GRCh37 (hg19) VCF-style: chr9-37436632-CCTCTCT-C.
Other names: c.866-14_866-9del6 (NM_012203.1).
Identifiers: ClinVar variation 1572176 (VCV001572176.10), dbSNP rs34302950, ClinGen allele CA5059323.